The following is an entry in ClinVar:

ClinVar aggregate classification (germline): Conflicting classifications of pathogenicity. Review status: criteria provided, conflicting classifications (1 of 4 stars). 3 submissions from 3 submitters: Uncertain significance (2); Benign (1). Last evaluated 2025-07-29.

Conditions:
Hereditary cancer-predisposing syndrome. Also called: Neoplastic Syndromes, Hereditary; Tumor predisposition; Hereditary Cancer Syndrome; Hereditary neoplastic syndrome. Identifiers: Orphanet 140162, MedGen C0027672, MeSH D009386, MONDO:0015356.
BAP1-related tumor predisposition syndrome (TPDS1). Also called: Tumor susceptibility linked to germline BAP1 mutations; BAP1 tumor predisposition syndrome; COMMON Syndrome; TUMOR PREDISPOSITION SYNDROME 1. Identifiers: Orphanet 289539, MedGen C3280492, MONDO:0013692, OMIM 614327.

Allele frequency attached by ClinVar (database versions not stated): gnomAD exomes below 0.00001 and 0.00002; gnomAD 0.00001; ExAC 0.00003; 1000 Genomes Project 30x 0.00016; 1000 Genomes Project 0.00020.
gnomAD v4.1: 4 of 1,613,960 alleles (0.00025%); highest among the groups gnomAD compares: East Asian, 0.0022%; no homozygotes.

Submissions (3):

Ambry Genetics
Classification: Benign for Hereditary cancer-predisposing syndrome. Last evaluated: 2025-07-29. Review status: criteria provided, single submitter. Criteria: Ambry Variant Classification Scheme 2023. Collection method: clinical testing. Allele origin: germline.

Labcorp Genetics (formerly Invitae), Labcorp
Classification: Uncertain significance for BAP1-related tumor predisposition syndrome. Last evaluated: 2025-07-25. Review status: criteria provided, single submitter. Criteria: Invitae Variant Classification Sherloc (09022015). Collection method: clinical testing. Allele origin: germline.
Comment: This sequence change replaces glycine, which is neutral and non-polar, with serine, which is neutral and polar, at codon 560 of the BAP1 protein (p.Gly560Ser). This variant is present in population databases (rs546888007, gnomAD 0.005%). This variant has not been reported in the literature in individuals affected with BAP1-related conditions. ClinVar contains an entry for this variant (Variation ID: 819768). Invitae Evidence Modeling of protein sequence and biophysical properties (such as structural, functional, and spatial information, amino acid conservation, physicochemical variation, residue mobility, and thermodynamic stability) indicates that this missense variant is not expected to disrupt BAP1 protein function with a negative predictive value of 80%. In summary, the available evidence is currently insufficient to determine the role of this variant in disease. Therefore, it has been classified as a Variant of Uncertain Significance.

GeneDx
Classification: Uncertain significance. Last evaluated: 2022-11-29. Review status: criteria provided, single submitter. Criteria: GeneDx Variant Classification Process June 2021. Collection method: clinical testing. Allele origin: germline. Affected: yes.
Comment: Not observed at significant frequency in large population cohorts (gnomAD); In silico analysis supports that this missense variant does not alter protein structure/function; Has not been previously published as pathogenic or benign to our knowledge

Literature cited by the submitters: PubMed 38969833 (cited by Ambry Genetics).

NM_004656.4(BAP1):c.1678G>A (p.Gly560Ser)

Gene: BAP1 (BRCA1 associated deubiquitinase 1; minus strand). Cytogenetic location: 3p21.1.
Variant type: single nucleotide variant.
Coding change: c.1678G>A on transcript NM_004656.4 (MANE Select); coding-DNA position 1678, G replaced by A.
Protein change: p.Gly560Ser; replaces glycine 560 with serine.
Molecular consequence: missense variant.
Genome position (GRCh38, 1-based): chr3:52,403,467, C>T on the plus strand (G>A on the coding strand, the complement: BAP1 is on the minus strand). VCF-style: chr3-52403467-C-T. GRCh37 (hg19) VCF-style: chr3-52437483-C-T.
Other names: c.1678G>A (NM_004656.3); short protein forms G560S.
Identifiers: ClinVar variation 819768 (VCV000819768.12), dbSNP rs546888007, ClinGen allele CA2436756.